The following is an entry in ClinVar:

ClinVar aggregate classification (germline): Likely benign (0 of 4 stars; one submission).

Conditions:
MYCBP2-related disorder. Also called: MYCBP2-related condition.

Allele frequency attached by ClinVar (database versions not stated): ExAC 0.00002; gnomAD 0.00003; TOPMed 0.00005; ESP Exome Variant Server 0.00008; gnomAD exomes 0.00020.
gnomAD v4.1: 293 of 1,603,406 alleles (0.018%); highest among the groups gnomAD compares: Non-Finnish European, 0.024%; no homozygotes.

Submission:

PreventionGenetics, part of Exact Sciences
Classification: Likely benign for MYCBP2-related condition. Last evaluated: 2019-03-12. Review status: no assertion criteria provided. Collection method: clinical testing. Allele origin: germline.
Comment: This variant is classified as likely benign based on ACMG/AMP sequence variant interpretation guidelines (Richards et al. 2015 PMID: 25741868, with internal and published modifications).

NM_015057.5(MYCBP2):c.12909C>T (p.Phe4303=)

Gene: MYCBP2 (MYC binding protein 2; minus strand). Cytogenetic location: 13q22.3.
Variant type: single nucleotide variant.
Coding change: c.12909C>T on transcript NM_015057.5 (MANE Select); coding-DNA position 12909, C replaced by T.
Protein change: p.Phe4303=; no amino-acid change (phenylalanine 4303 retained).
Molecular consequence: synonymous variant.
Genome position (GRCh38, 1-based): chr13:77,061,296, G>A on the plus strand (C>T on the coding strand, the complement: MYCBP2 is on the minus strand). VCF-style: chr13-77061296-G-A. GRCh37 (hg19) VCF-style: chr13-77635431-G-A.
Identifiers: ClinVar variation 3057728 (VCV003057728.2), dbSNP rs368544796, ClinGen allele CA7007781.
Genomic context (GRCh38, chr13:77,061,296, plus strand): 5'-CAATTTGGTTCTACCACAACCTTCATGAAGGTCAACCTTTATAGCTTCTTCTTCTTCTTT[G>A]AAGACCTATTATTTCATTAAAGAACAGGGAAAAATATGCTTATTTATCACTCTGAAAGGG-3'
Protein context (NP_055872.4, residues 4293-4313): RRTKTHQRQV[Phe4303=]KEEEEAIKVD